The following is an entry in ClinVar:

ClinVar aggregate classification (germline): Uncertain significance. Review status: criteria provided, multiple submitters, no conflicts (2 of 4 stars). 6 submissions from 6 submitters: Uncertain significance (5). 1 of the submissions does not count toward it. Last evaluated 2024-12-02.

Conditions:
Pituitary adenoma 5, multiple types. Identifiers: MedGen C4539685, MONDO:0054601, OMIM 617540.
Usher syndrome type 1D (USH1D). Also called: USHER SYNDROME, TYPE ID. Identifiers: Orphanet 231169, Orphanet 886, MedGen C1832845, MONDO:0010984, OMIM 601067.
Autosomal recessive nonsyndromic hearing loss 12. Also called: DEAFNESS, AUTOSOMAL RECESSIVE 12. Identifiers: Orphanet 90636, MedGen C1832394, MONDO:0011067, OMIM 601386.
Usher syndrome type 1 (USH1). Also called: RETINITIS PIGMENTOSA AND CONGENITAL DEAFNESS. Identifiers: Orphanet 231169, Orphanet 886, MedGen C1568247, MONDO:0010168, OMIM 276900.

Allele frequency attached by ClinVar (database versions not stated): TOPMed 0.00001; ExAC 0.00002; gnomAD 0.00002; gnomAD exomes 0.00003 and 0.00005.

Submissions (6):

Labcorp Genetics (formerly Invitae), Labcorp
Classification: Uncertain significance. Last evaluated: 2024-12-02. Review status: criteria provided, single submitter. Criteria: Invitae Variant Classification Sherloc (09022015). Collection method: clinical testing. Allele origin: germline.
Comment: This sequence change replaces valine, which is neutral and non-polar, with methionine, which is neutral and non-polar, at codon 2393 of the CDH23 protein (p.Val2393Met). This variant is present in population databases (rs775436759, gnomAD 0.03%). This variant has not been reported in the literature in individuals affected with CDH23-related conditions. ClinVar contains an entry for this variant (Variation ID: 505041). Invitae Evidence Modeling of protein sequence and biophysical properties (such as structural, functional, and spatial information, amino acid conservation, physicochemical variation, residue mobility, and thermodynamic stability) has been performed for this missense variant. However, the output from this modeling did not meet the statistical confidence thresholds required to predict the impact of this variant on CDH23 protein function. In summary, the available evidence is currently insufficient to determine the role of this variant in disease. Therefore, it has been classified as a Variant of Uncertain Significance.

Blueprint Genetics
Classification: Uncertain significance. Last evaluated: 2023-02-06. Review status: criteria provided, single submitter. Criteria: ACMG Guidelines, 2015. Collection method: clinical testing. Allele origin: germline.

GeneDx
Classification: Uncertain significance. Last evaluated: 2022-11-09. Review status: criteria provided, single submitter. Criteria: GeneDx Variant Classification Process June 2021. Collection method: clinical testing. Allele origin: germline. Affected: yes.
Comment: In silico analysis supports that this missense variant does not alter protein structure/function; Has not been previously published as pathogenic or benign to our knowledge; This variant is associated with the following publications: (PMID: 28539123)

Fulgent Genetics
Classification: Uncertain significance for Usher syndrome type 1D; Autosomal recessive nonsyndromic hearing loss 12; Pituitary adenoma 5, multiple types. Last evaluated: 2021-07-30. Review status: criteria provided, single submitter. Criteria: ACMG Guidelines, 2015. Collection method: clinical testing. Allele origin: unknown.

Laboratory for Molecular Medicine, Mass General Brigham Personalized Medicine
Classification: Uncertain significance. Last evaluated: 2016-06-02. Review status: criteria provided, single submitter. Criteria: LMM Criteria. Collection method: clinical testing. Allele origin: germline. Observed: 1 variant allele.
Comment: The p.Val2393Met variant in CDH23 has not been previously reported in individual s with hearing loss or Usher syndrome, but has been identified in 3/8624 East As ian chromosomes by the Exome Aggregation Consortium (ExAC; dbSNP rs775436759). Although this variant has been seen in the gener al population, its frequency is not high enough to rule out a pathogenic role. C omputational prediction tools and conservation analysis do not provide strong su pport for or against an impact to the protein. In summary, the clinical signific ance of this variant is uncertain.

Natera, Inc.
Classification: Uncertain significance for Usher syndrome type 1. Last evaluated: 2019-10-28. Review status: no assertion criteria provided. Collection method: clinical testing. Allele origin: germline. Not counted in ClinVar's aggregate classification.

NM_022124.6(CDH23):c.7177G>A (p.Val2393Met)

Gene: CDH23 (cadherin related 23; plus strand). Cytogenetic location: 10q22.1.
Variant type: single nucleotide variant.
Coding change: c.7177G>A on transcript NM_022124.6 (MANE Select); coding-DNA position 7177, G replaced by A.
Protein change: p.Val2393Met; replaces valine 2393 with methionine.
Molecular consequence: missense variant.
Genome position (GRCh38, 1-based): chr10:71,799,233, G>A. VCF-style: chr10-71799233-G-A. GRCh37 (hg19) VCF-style: chr10-73558990-G-A.
Other names: c.457G>A, p.Val153Met (NM_001171933.1, NM_001171934.1); short protein forms V2393M, V153M.
Identifiers: ClinVar variation 505041 (VCV000505041.11), dbSNP rs775436759, ClinGen allele CA5546274.